The following is an entry in ClinVar:

NM_000439.5(PCSK1):c.292T>C (p.Trp98Arg)

Genes: CAST (calpastatin; plus strand), PCSK1 (proprotein convertase subtilisin/kexin type 1; minus strand), LOC101929710 (uncharacterized LOC101929710; plus strand). Cytogenetic location: 5q15.
Variant type: single nucleotide variant.
Coding change: c.292T>C on transcript NM_000439.5 (MANE Select); coding-DNA position 292, T replaced by C.
Protein change: p.Trp98Arg; replaces tryptophan 98 with arginine.
Molecular consequence: missense variant. On other transcripts: intron variant (11).
Genome position (GRCh38, 1-based): chr5:96,425,924, A>G on the plus strand (T>C on the coding strand, the complement: PCSK1 is on the minus strand). VCF-style: chr5-96425924-A-G. GRCh37 (hg19) VCF-style: chr5-95761628-A-G.
Other names: c.151T>C, p.Trp51Arg (NM_001177875.2); c.-175+46272A>G (NM_001423254.1, NM_001423259.1, NM_001423255.1 and 6 more transcripts); c.-103+46272A>G (NM_001423253.1); c.-40+46272A>G (NM_001423258.1); short protein forms W51R, W98R.
Identifiers: ClinVar variation 2632028 (VCV002632028.3), dbSNP rs1246742230, ClinGen allele CA360484831.
Genomic context (GRCh38, chr5:96,425,924, plus strand): 5'-GTGCTGAGTCCCTTAGAGCTGAACGTTTACTTCTTTCTTTTTCATACTGTTGTTCAGCCC[A>G]TATCACCTACAAGGATTTTTATAGCAAGAAAATCAAAAGTCAAATATCTACCTCTGTATA-3'
Protein context (NP_000430.3, residues 88-108): KRLSDDDRVI[Trp98Arg]AEQQYEKERS

ClinVar aggregate classification (germline): Uncertain significance. Review status: criteria provided, single submitter (1 of 4 stars). 2 submissions from 2 submitters: Uncertain significance (1). 1 of the submissions does not count toward it. Last evaluated 2024-06-06.

Conditions:
PCSK1-related disorder. Also called: PCSK1-related condition.

Allele frequency attached by ClinVar (database versions not stated): gnomAD 0.00003; gnomAD exomes below 0.00001; TOPMed 0.00002.
gnomAD v4.1: 8 of 1,598,026 alleles (0.0005%); highest among the groups gnomAD compares: Non-Finnish European, 0.00069%; no homozygotes.

Submissions (2):

Blueprint Genetics
Classification: Uncertain significance. Last evaluated: 2024-06-06. Review status: criteria provided, single submitter. Criteria: ACMG Guidelines, 2015. Collection method: clinical testing. Allele origin: germline.

PreventionGenetics, part of Exact Sciences
Classification: Uncertain significance for PCSK1-related condition. Last evaluated: 2024-03-27. Review status: no assertion criteria provided. Collection method: clinical testing. Allele origin: germline. Not counted in ClinVar's aggregate classification.
Comment: The PCSK1 c.292T>C variant is predicted to result in the amino acid substitution p.Trp98Arg. To our knowledge, this variant has not been reported in the literature or in a large population database, indicating this variant is rare. At this time, the clinical significance of this variant is uncertain due to the absence of conclusive functional and genetic evidence.